The following is an entry in ClinVar:

ClinVar aggregate classification (germline): Uncertain significance. Review status: criteria provided, multiple submitters, no conflicts (2 of 4 stars). 2 submissions from 2 submitters: Uncertain significance (2). Last evaluated 2022-10-13.

Allele frequency attached by ClinVar (database versions not stated): gnomAD 0.00001; ExAC 0.00003; gnomAD exomes 0.00003; TOPMed 0.00004; ESP Exome Variant Server 0.00008.
gnomAD v4.1: 45 of 1,590,682 alleles (0.0028%); highest among the groups gnomAD compares: Non-Finnish European, 0.0034%; no homozygotes.

Submissions (2):

Labcorp Genetics (formerly Invitae), Labcorp
Classification: Uncertain significance. Last evaluated: 2022-10-13. Review status: criteria provided, single submitter. Criteria: Invitae Variant Classification Sherloc (09022015). Collection method: clinical testing. Allele origin: germline.
Comment: In summary, the available evidence is currently insufficient to determine the role of this variant in disease. Therefore, it has been classified as a Variant of Uncertain Significance. Algorithms developed to predict the effect of missense changes on protein structure and function (SIFT, PolyPhen-2, Align-GVGD) all suggest that this variant is likely to be disruptive. This variant has not been reported in the literature in individuals affected with AHR-related conditions. This variant is present in population databases (rs369460923, gnomAD 0.007%). This sequence change replaces arginine, which is basic and polar, with tryptophan, which is neutral and slightly polar, at codon 352 of the AHR protein (p.Arg352Trp).

Ambry Genetics
Classification: Uncertain significance. Last evaluated: 2021-08-02. Review status: criteria provided, single submitter. Criteria: Ambry Variant Classification Scheme 2023. Collection method: clinical testing. Allele origin: germline.

NM_001621.5(AHR):c.1054C>T (p.Arg352Trp)

Gene: AHR (aryl hydrocarbon receptor; plus strand). Cytogenetic location: 7p21.1.
Variant type: single nucleotide variant.
Coding change: c.1054C>T on transcript NM_001621.5 (MANE Select); coding-DNA position 1054, C replaced by T.
Protein change: p.Arg352Trp; replaces arginine 352 with tryptophan.
Molecular consequence: missense variant.
Genome position (GRCh38, 1-based): chr7:17,335,680, C>T. VCF-style: chr7-17335680-C-T. GRCh37 (hg19) VCF-style: chr7-17375304-C-T.
Other names: short protein forms R352W.
Identifiers: ClinVar variation 1917574 (VCV001917574.4), dbSNP rs369460923, ClinGen allele CA4172009.